The following is an entry in ClinVar:

NM_001001937.2(ATP5F1A):c.-56A>G

Gene: ATP5F1A (ATP synthase F1 subunit alpha; minus strand). Cytogenetic location: 18q21.1.
Variant type: single nucleotide variant.
Coding change: c.-56A>G on transcript NM_001001937.2; 56 bases upstream of the start codon, A replaced by G.
Molecular consequence: 5 prime UTR variant.
Genome position (GRCh38, 1-based): chr18:46,104,144, T>C on the plus strand (A>G on the coding strand, the complement: ATP5F1A is on the minus strand). VCF-style: chr18-46104144-T-C. GRCh37 (hg19) VCF-style: chr18-43684110-T-C.
Identifiers: ClinVar variation 380062 (VCV000380062.4), dbSNP rs72903448, ClinGen allele CA14573258.

ClinVar aggregate classification (germline): Benign. Review status: criteria provided, multiple submitters, no conflicts (2 of 4 stars). 2 submissions from 2 submitters: Benign (2). Last evaluated 2015-12-16.

Allele frequency attached by ClinVar (database versions not stated): gnomAD exomes 0.05108; 1000 Genomes Project 30x 0.06496; gnomAD 0.07636 and 0.07356; 1000 Genomes Project 0.06470; TOPMed 0.07858.
gnomAD v4.1: 23,481 of 392,750 alleles (6%); highest among the groups gnomAD compares: African/African-American, 13%; 927 homozygotes.

Submissions (2):

GeneDx
Classification: Benign. Last evaluated: 2015-12-16. Review status: criteria provided, single submitter. Criteria: GeneDx Variant Classification (06012015). Collection method: clinical testing. Allele origin: germline. Affected: yes.
Comment: This variant is considered likely benign or benign based on one or more of the following criteria: it is a conservative change, it occurs at a poorly conserved position in the protein, it is predicted to be benign by multiple in silico algorithms, and/or has population frequency not consistent with disease.

Breakthrough Genomics
Classification: Benign. Review status: criteria provided, single submitter. Criteria: ACMG Guidelines, 2015. Collection method: not provided. Allele origin: germline. Inheritance: Autosomal recessive inheritance. Affected: yes.